The following is an entry in ClinVar:

ClinVar aggregate classification (germline): Pathogenic. Review status: criteria provided, multiple submitters, no conflicts (2 of 4 stars). 2 submissions from 2 submitters: Pathogenic (2). Last evaluated 2023-05-25.

Conditions:
Hereditary cancer-predisposing syndrome. Also called: Neoplastic Syndromes, Hereditary; Hereditary Cancer Syndrome; Tumor predisposition; Hereditary neoplastic syndrome. Identifiers: Orphanet 140162, MedGen C0027672, MeSH D009386, MONDO:0015356.
Familial cancer of breast. Also called: Hereditary breast cancer; BREAST CANCER, FAMILIAL; hereditary breast carcinoma. Identifiers: Orphanet 227535, MedGen C0346153, MONDO:0016419, OMIM 114480. Disease mechanism: loss of function.

Submissions (2):

Myriad Genetics, Inc.
Classification: Pathogenic for Familial cancer of breast. Last evaluated: 2023-05-25. Review status: criteria provided, single submitter. Criteria: Myriad Autosomal Dominant, Autosomal Recessive and X-Linked Classification Criteria (2023). Collection method: clinical testing. Allele origin: unknown.
Comment: This variant is considered pathogenic. This variant creates a frameshift predicted to result in premature protein truncation.

Color Diagnostics, LLC DBA Color Health
Classification: Pathogenic for Hereditary cancer-predisposing syndrome. Last evaluated: 2020-01-03. Review status: criteria provided, single submitter. Criteria: ACMG Guidelines, 2015. Collection method: clinical testing. Allele origin: germline.
Comment: This variant deletes 1 nucleotide in exon 10 of the BARD1 gene, creating a frameshift and premature translation stop signal. This variant is expected to result in an absent or non-functional protein product. Splice site prediction tools suggest that this variant may not impact RNA splicing. To our knowledge, functional studies have not been performed for this variant. This variant has not been reported in individuals affected with hereditary cancer in the literature. This variant has not been identified in the general population by the Genome Aggregation Database (gnomAD). Loss of BARD1 function is a known mechanism of disease. Based on the available evidence, this variant is classified as Pathogenic.

NM_000465.4(BARD1):c.1949del (p.Lys650fs)

Gene: BARD1 (BRCA1 associated RING domain 1; minus strand). Cytogenetic location: 2q35.
Variant type: Deletion.
Coding change: c.1949del on transcript NM_000465.4 (MANE Select); coding-DNA position 1949, one base deleted (A; older notation c.1949delA).
Protein change: p.Lys650fs; shifts the reading frame from lysine 650.
Molecular consequence: frameshift variant. On other transcripts: non-coding transcript variant (3).
Genome position (GRCh38, 1-based): chr2:214,730,463, T deleted on the plus strand (A on the coding strand, the reverse complement: BARD1 is on the minus strand); the first of 4 consecutive T bases (chr2:214,730,463-214,730,466); deleting any one gives the same sequence. VCF-style (leftmost placement, unchanged base first): chr2-214730462-CT-C. GRCh37 (hg19) VCF-style: chr2-215595186-CT-C.
Other names: c.1892del, p.Lys631fs (NM_001282543.2); c.596del, p.Lys199fs (NM_001282545.2); c.539del, p.Lys180fs (NM_001282548.2); c.410del, p.Lys137fs (NM_001282549.2); short protein forms K137fs, K199fs, K631fs, K650fs, K180fs.
Identifiers: ClinVar variation 927256 (VCV000927256.5), dbSNP rs1692302934, ClinGen allele CA1139657673.